The following is an entry in ClinVar:

NM_000089.4(COL1A2):c.1393G>C (p.Glu465Gln)

Gene: COL1A2 (collagen type I alpha 2 chain; plus strand). Cytogenetic location: 7q21.3.
Variant type: single nucleotide variant.
Coding change: c.1393G>C on transcript NM_000089.4 (MANE Select); coding-DNA position 1393, G replaced by C.
Protein change: p.Glu465Gln; replaces glutamic acid 465 with glutamine.
Molecular consequence: missense variant.
Genome position (GRCh38, 1-based): chr7:94,412,110, G>C. VCF-style: chr7-94412110-G-C. GRCh37 (hg19) VCF-style: chr7-94041422-G-C.
Other names: short protein forms E465Q.
Identifiers: ClinVar variation 1035670 (VCV001035670.48), dbSNP rs1562902082, ClinGen allele CA368221761.

ClinVar aggregate classification (germline): Uncertain significance (1 of 4 stars; one submission).

Conditions:
Osteogenesis imperfecta type I (OI1). Also called: OI, TYPE I; OSTEOGENESIS IMPERFECTA TARDA; OSTEOGENESIS IMPERFECTA WITH BLUE SCLERAE; Osteogenesis imperfecta type 1; Classic Non-deforming Osteogenesis Imperfecta with Blue Sclerae; Lobstein's Disease. Identifiers: Orphanet 216796, Orphanet 666, MedGen C0023931, MONDO:0008146, OMIM 166200. Disease mechanism: loss of function.
Ehlers-Danlos syndrome, classic type, 1 (EDSCL1). Also called: EHLERS-DANLOS SYNDROME, GRAVIS TYPE; EHLERS-DANLOS SYNDROME, SEVERE CLASSIC TYPE; EDS I; Ehlers-Danlos Syndrome, Classic Type, COL5A1-Related; Ehlers-Danlos syndrome, type 1. Identifiers: MedGen C0268335, MONDO:0019567, OMIM 130000.

Submission:

Labcorp Genetics (formerly Invitae), Labcorp
Classification: Uncertain significance for Osteogenesis imperfecta type I; Ehlers-Danlos syndrome, classic type, 1. Last evaluated: 2022-07-05. Review status: criteria provided, single submitter. Criteria: Invitae Variant Classification Sherloc (09022015). Collection method: clinical testing. Allele origin: germline.
Comment: This variant has not been reported in the literature in individuals affected with COL1A2-related conditions. In summary, the available evidence is currently insufficient to determine the role of this variant in disease. Therefore, it has been classified as a Variant of Uncertain Significance. Advanced modeling of protein sequence and biophysical properties (such as structural, functional, and spatial information, amino acid conservation, physicochemical variation, residue mobility, and thermodynamic stability) performed at Invitae indicates that this missense variant is not expected to disrupt COL1A2 protein function. ClinVar contains an entry for this variant (Variation ID: 1035670). This variant is not present in population databases (gnomAD no frequency). This sequence change replaces glutamic acid, which is acidic and polar, with glutamine, which is neutral and polar, at codon 465 of the COL1A2 protein (p.Glu465Gln).